The following is an entry in ClinVar:

ClinVar aggregate classification (germline): Likely benign (0 of 4 stars; one submission).

Conditions:
DOCK7-related disorder. Also called: DOCK7-related condition.

Submission:

PreventionGenetics, part of Exact Sciences
Classification: Likely benign for DOCK7-related condition. Last evaluated: 2019-03-28. Review status: no assertion criteria provided. Collection method: clinical testing. Allele origin: germline.
Comment: This variant is classified as likely benign based on ACMG/AMP sequence variant interpretation guidelines (Richards et al. 2015 PMID: 25741868, with internal and published modifications).

NM_001367561.1(DOCK7):c.1683-12066T>A

Genes: ANGPTL3 (angiopoietin like 3; plus strand), DOCK7 (dedicator of cytokinesis 7; minus strand). Cytogenetic location: 1p31.3.
Variant type: single nucleotide variant.
Coding change: c.1683-12066T>A on transcript NM_001367561.1 (MANE Select); 12066 bases into the intron before coding-DNA position 1683, T replaced by A.
Molecular consequence: intron variant.
Genome position (GRCh38, 1-based): chr1:62,598,690, A>T on the plus strand (T>A on the coding strand, the complement: DOCK7 is on the minus strand). VCF-style: chr1-62598690-A-T. GRCh37 (hg19) VCF-style: chr1-63064361-A-T.
Other names: c.1683-12066T>A (NM_001272001.2, NM_001272000.2, NM_033407.4 and 3 more transcripts); c.496-6A>T (NM_014495.4).
Identifiers: ClinVar variation 3058367 (VCV003058367.2), dbSNP rs2525871122, ClinGen allele CA2740090743.